The following is an entry in ClinVar:

ClinVar aggregate classification (germline): Uncertain significance. Review status: criteria provided, multiple submitters, no conflicts (2 of 4 stars). 2 submissions from 2 submitters: Uncertain significance (2). Last evaluated 2023-12-13.

Conditions:
Hereditary sensory neuropathy-deafness-dementia syndrome. Also called: HSN IE; Hereditary sensory neuropathy type IE; NEUROPATHY, HEREDITARY SENSORY, WITH HEARING LOSS AND DEMENTIA; Hereditary Sensory and Autonomic Neuropathy Type 1E (HSAN1E). Identifiers: Orphanet 456318, MedGen C3279885, MONDO:0013584, OMIM 614116.

Submissions (2):

GeneDx
Classification: Uncertain significance. Last evaluated: 2023-12-13. Review status: criteria provided, single submitter. Criteria: GeneDx Variant Classification Process June 2021. Collection method: clinical testing. Allele origin: germline. Affected: yes.
Comment: Not observed at significant frequency in large population cohorts (gnomAD); In silico analysis supports that this missense variant does not alter protein structure/function; Has not been previously published as pathogenic or benign to our knowledge

Labcorp Genetics (formerly Invitae), Labcorp
Classification: Uncertain significance for Hereditary sensory neuropathy-deafness-dementia syndrome. Last evaluated: 2023-10-04. Review status: criteria provided, single submitter. Criteria: Invitae Variant Classification Sherloc (09022015). Collection method: clinical testing. Allele origin: germline.
Comment: This sequence change replaces proline, which is neutral and non-polar, with serine, which is neutral and polar, at codon 171 of the DNMT1 protein (p.Pro171Ser). This variant is not present in population databases (gnomAD no frequency). This variant has not been reported in the literature in individuals affected with DNMT1-related conditions. Algorithms developed to predict the effect of missense changes on protein structure and function output the following: SIFT: "Not Available"; PolyPhen-2: "Benign"; Align-GVGD: "Not Available". The serine amino acid residue is found in multiple mammalian species, which suggests that this missense change does not adversely affect protein function. In summary, the available evidence is currently insufficient to determine the role of this variant in disease. Therefore, it has been classified as a Variant of Uncertain Significance.

NM_001130823.3(DNMT1):c.511C>T (p.Pro171Ser)

Gene: DNMT1 (DNA methyltransferase 1; minus strand). Cytogenetic location: 19p13.2.
Variant type: single nucleotide variant.
Coding change: c.511C>T on transcript NM_001130823.3 (MANE Select); coding-DNA position 511, C replaced by T.
Protein change: p.Pro171Ser; replaces proline 171 with serine.
Molecular consequence: missense variant.
Genome position (GRCh38, 1-based): chr19:10,177,350, G>A on the plus strand (C>T on the coding strand, the complement: DNMT1 is on the minus strand). VCF-style: chr19-10177350-G-A. GRCh37 (hg19) VCF-style: chr19-10288026-G-A.
Other names: c.463C>T, p.Pro155Ser (NM_001318730.2, NM_001379.4); c.148C>T, p.Pro50Ser (NM_001318731.2); short protein forms P155S, P171S, P50S.
Identifiers: ClinVar variation 2765610 (VCV002765610.4), dbSNP rs2513884003, ClinGen allele CA403945140.